The following is an entry in ClinVar:

NM_205834.4(LSR):c.1084A>G (p.Lys362Glu)

Gene: LSR (lipolysis stimulated lipoprotein receptor; plus strand). Cytogenetic location: 19q13.12.
Variant type: single nucleotide variant.
Coding change: c.1084A>G on transcript NM_205834.4 (MANE Select); coding-DNA position 1084, A replaced by G.
Protein change: p.Lys362Glu; replaces lysine 362 with glutamic acid.
Molecular consequence: missense variant.
Genome position (GRCh38, 1-based): chr19:35,266,907, A>G. VCF-style: chr19-35266907-A-G. GRCh37 (hg19) VCF-style: chr19-35757810-A-G.
Other names: c.1228A>G (NM_205834.3); c.1024A>G, p.Lys342Glu (NM_001260489.2); c.760A>G, p.Lys254Glu (NM_001260490.2); c.877A>G, p.Lys293Glu (NM_001385215.1); c.1027A>G, p.Lys343Glu (NM_015925.7); c.880A>G, p.Lys294Glu (NM_205835.4); short protein forms K362E, K343E, K254E, K294E, K342E, K293E.
Identifiers: ClinVar variation 4101168 (VCV004101168.2).

ClinVar aggregate classification (germline): Uncertain significance. Review status: criteria provided, multiple submitters, no conflicts (2 of 4 stars). 2 submissions from 2 submitters: Uncertain significance (2). Last evaluated 2026-03-26.

Conditions:
LSR-related condition.

gnomAD v4.1: 20 of 1,613,618 alleles (0.0012%); highest among the groups gnomAD compares: African/African-American, 0.024%; no homozygotes.

Submissions (2):

PreventionGenetics, part of Exact Sciences
Classification: Uncertain significance for LSR-related condition. Last evaluated: 2026-03-26. Review status: criteria provided, single submitter. Criteria: ACMG Guidelines, 2015. Collection method: clinical testing. Allele origin: germline.
Comment: The LSR c.1228A>G variant is predicted to result in the amino acid substitution p.Lys410Glu. To our knowledge, this variant has not been reported in the literature. This variant is reported in 0.028% of alleles in individuals of African descent in gnomAD. At this time, the clinical significance of this variant is uncertain due to the absence of conclusive functional and genetic evidence.

Ambry Genetics
Classification: Uncertain significance. Last evaluated: 2025-07-15. Review status: criteria provided, single submitter. Criteria: Ambry Variant Classification Scheme 2023. Collection method: clinical testing. Allele origin: germline.